The following is an entry in ClinVar:

NM_001394372.1(BICRA):c.1944_1976del (p.Pro651_Ala661del)

Gene: BICRA (BRD4 interacting chromatin remodeling complex associated protein; plus strand). Cytogenetic location: 19q13.33.
Variant type: Deletion.
Coding change: c.1944_1976del on transcript NM_001394372.1 (MANE Select); coding-DNA positions 1944 to 1976, 33 bases deleted.
Protein change: p.Pro651_Ala661del.
Genome position (GRCh38, 1-based): chr19:47,681,114-47,681,146, 33 bases deleted; deleting any 33 consecutive bases within chr19:47,681,112-47,681,146 gives the same sequence; the c. name uses the placement nearest the transcript's 3' end. GRCh37 (hg19): chr19:48,184,371-48,184,403.
Other names: c.1944_1976del, p.Pro651_Ala661del (NM_015711.3).
Identifiers: ClinVar variation 3364218 (VCV003364218.1).

ClinVar aggregate classification (germline): Uncertain significance (1 of 4 stars; one submission).

Submission:

GeneDx
Classification: Uncertain significance. Last evaluated: 2023-11-20. Review status: criteria provided, single submitter. Criteria: GeneDx Variant Classification Process June 2021. Collection method: clinical testing. Allele origin: germline. Affected: yes.
Comment: Not observed at significant frequency in large population cohorts (gnomAD); In-frame deletion of 11 amino acids in a non-repeat region; In silico analysis supports that this variant does not alter protein structure/function; Has not been previously published as pathogenic or benign to our knowledge